The following is an entry in ClinVar:

ClinVar aggregate classification (germline): Likely benign. Review status: criteria provided, multiple submitters, no conflicts (2 of 4 stars). 2 submissions from 2 submitters: Likely benign (2). Last evaluated 2026-06-15.

Conditions:
Polyps, multiple and recurrent inflammatory fibroid, gastrointestinal. Identifiers: MedGen C5193005, MONDO:0008285, OMIM 175510.
Gastrointestinal stromal tumor. Also called: Gastrointestinal stromal tumor, somatic; Gastrointestinal stroma tumor. Identifiers: Orphanet 44890, MedGen C0238198, MeSH D046152, MONDO:0011719, OMIM 606764, HP:0100723.

Allele frequency attached by ClinVar (database versions not stated): gnomAD exomes below 0.00001 and 0.00001.
gnomAD v4.1: 5 of 1,613,466 alleles (0.00031%); highest among the groups gnomAD compares: Middle Eastern, 0.017%; no homozygotes.

Submissions (2):

Myriad Genetics, Inc.
Classification: Likely benign for Polyps, multiple and recurrent inflammatory fibroid, gastrointestinal. Last evaluated: 2026-06-15. Review status: criteria provided, single submitter. Criteria: Myriad Autosomal Dominant, Autosomal Recessive and X-Linked Classification Criteria (2023). Collection method: clinical testing. Allele origin: unknown.
Comment: This variant is considered likely benign. This variant is intronic and is not expected to impact mRNA splicing.

Labcorp Genetics (formerly Invitae), Labcorp
Classification: Likely benign for Gastrointestinal stromal tumor. Last evaluated: 2025-05-07. Review status: criteria provided, single submitter. Criteria: Invitae Variant Classification Sherloc (09022015). Collection method: clinical testing. Allele origin: germline.

NM_006206.6(PDGFRA):c.2156+7G>A

Gene: PDGFRA (platelet derived growth factor receptor alpha; plus strand). Cytogenetic location: 4q12.
Variant type: single nucleotide variant.
Coding change: c.2156+7G>A on transcript NM_006206.6 (MANE Select); 7 bases into the intron after coding-DNA position 2156, G replaced by A.
Molecular consequence: intron variant.
Genome position (GRCh38, 1-based): chr4:54,278,522, G>A. VCF-style: chr4-54278522-G-A. GRCh37 (hg19) VCF-style: chr4-55144689-G-A.
Other names: c.2231+7G>A (NM_001347828.2); c.2156+7G>A (NM_001347827.2, NM_001347829.2); c.2195+7G>A (NM_001347830.2).
Identifiers: ClinVar variation 743927 (VCV000743927.12), dbSNP rs1351325058, ClinGen allele CA551369832.